The following is an entry in ClinVar:

ClinVar aggregate classification (germline): Pathogenic (1 of 4 stars; one submission).

Conditions:
Cystic fibrosis (CF). Also called: MUCOVISCIDOSIS. Identifiers: Orphanet 586, MedGen C0010674, MONDO:0009061, OMIM 219700. Disease mechanism: loss of function.

Submission:

Institute of Human Genetics, University of Leipzig Medical Center
Classification: Pathogenic for Cystic fibrosis. Last evaluated: 2022-09-05. Review status: criteria provided, single submitter. Criteria: ACMG Guidelines, 2015. Collection method: curation. Allele origin: unknown. Affected: yes. Observed: 2 variant alleles.
Comment: This variant was identified in 2 unrelated patients with a clinically confirmed diagnosis of cystic fibrosis. The variant was classified in the context of a project re-classifying variants in the German Cystic Fibrosis Registry (Muko.e.V.). Criteria applied: PVS1, PM3_STR, PM2_SUP, PP4

NM_000492.4:c.(273+1_274-1)_(1679+1_1680-1)del

Gene: CFTR (CF transmembrane conductance regulator; plus strand).
Variant type: Deletion.
Other names: CFTRdele4-11; c.(273+1_274-1)_(1679+1_1680-1)del (NM_000492.4).
Identifiers: ClinVar variation 1706076 (VCV001706076.1).